The following is an entry in ClinVar:

NM_021784.5(FOXA2):c.191T>C (p.Met64Thr)

Gene: FOXA2 (forkhead box A2; minus strand). Cytogenetic location: 20p11.21.
Variant type: single nucleotide variant.
Coding change: c.191T>C on transcript NM_021784.5 (MANE Select); coding-DNA position 191, T replaced by C.
Protein change: p.Met64Thr; replaces methionine 64 with threonine.
Molecular consequence: missense variant.
Genome position (GRCh38, 1-based): chr20:22,583,051, A>G on the plus strand (T>C on the coding strand, the complement: FOXA2 is on the minus strand). VCF-style: chr20-22583051-A-G. GRCh37 (hg19) VCF-style: chr20-22563689-A-G.
Other names: c.173T>C, p.Met58Thr (NM_153675.3); short protein forms M58T, M64T.
Identifiers: ClinVar variation 3360090 (VCV003360090.1).

ClinVar aggregate classification (germline): Uncertain significance (1 of 4 stars; one submission).

Submission:

GeneDx
Classification: Uncertain significance. Last evaluated: 2023-06-18. Review status: criteria provided, single submitter. Criteria: GeneDx Variant Classification Process June 2021. Collection method: clinical testing. Allele origin: germline. Affected: yes.
Comment: Not observed at significant frequency in large population cohorts (gnomAD); In silico analysis supports that this missense variant does not alter protein structure/function; Has not been previously published as pathogenic or benign to our knowledge